The following is an entry in ClinVar:

ClinVar aggregate classification (germline): Pathogenic (1 of 4 stars; one submission).

Conditions:
LAMA2-related muscular dystrophy (LAMA2-RD). Also called: Laminin alpha 2-related dystrophy. Identifiers: MedGen C5679788, MONDO:0100228.

Allele frequency attached by ClinVar (database versions not stated): gnomAD exomes below 0.00001.
gnomAD v4.1: 1 of 1,613,256 alleles (0.000062%); highest among the groups gnomAD compares: Non-Finnish European, 0.000085%; no homozygotes.

Submission:

Labcorp Genetics (formerly Invitae), Labcorp
Classification: Pathogenic for LAMA2-related muscular dystrophy. Last evaluated: 2025-01-15. Review status: criteria provided, single submitter. Criteria: Invitae Variant Classification Sherloc (09022015). Collection method: clinical testing. Allele origin: germline.
Comment: This sequence change affects a donor splice site in intron 33 of the LAMA2 gene. It is expected to disrupt RNA splicing. Variants that disrupt the donor or acceptor splice site typically lead to a loss of protein function (PMID: 16199547), and loss-of-function variants in LAMA2 are known to be pathogenic (PMID: 18700894, 32904964). This variant is not present in population databases (gnomAD no frequency). Disruption of this splice site has been observed in individual(s) with clinical features of LAMA2-related conditions (internal data). In at least one individual the data is consistent with being in trans (on the opposite chromosome) from a pathogenic variant. ClinVar contains an entry for this variant (Variation ID: 1066310). Algorithms developed to predict the effect of sequence changes on RNA splicing suggest that this variant may disrupt the consensus splice site. For these reasons, this variant has been classified as Pathogenic.

Literature cited by the submitters: PubMed 16199547; PubMed 18700894; PubMed 32904964.

NM_000426.4(LAMA2):c.4860+2T>C

Gene: LAMA2 (laminin subunit alpha 2; plus strand). Cytogenetic location: 6q22.33.
Variant type: single nucleotide variant.
Coding change: c.4860+2T>C on transcript NM_000426.4 (MANE Select); the canonical splice donor site of the intron after coding-DNA position 4860, T replaced by C.
Molecular consequence: splice donor variant.
Genome position (GRCh38, 1-based): chr6:129,366,363, T>C. VCF-style: chr6-129366363-T-C. GRCh37 (hg19) VCF-style: chr6-129687508-T-C.
Other names: c.4860+2T>C (NM_001079823.2).
Identifiers: ClinVar variation 1066310 (VCV001066310.9), dbSNP rs2114620232, ClinGen allele CA365623112.